The following is an entry in ClinVar:

ClinVar aggregate classification (germline): Conflicting classifications of pathogenicity. Review status: criteria provided, conflicting classifications (1 of 4 stars). 7 submissions from 7 submitters: Uncertain significance (1); Benign (1); Likely benign (5). Last evaluated 2026-06-26.

Conditions:
CBS-related disorder. Also called: CBS-related condition.
Connective tissue disorder. Also called: Connective tissue disease. Identifiers: MedGen C0009782, MONDO:0003900.
Familial thoracic aortic aneurysm and aortic dissection (TAAD). Also called: Thoracic aortic aneurysms and dissections. Identifiers: Orphanet 91387, MedGen C4707243, MONDO:0019625.
HYPERHOMOCYSTEINEMIA, THROMBOTIC, CBS-RELATED. Identifiers: MedGen C3150344, OMIM 236200.

Allele frequency attached by ClinVar (database versions not stated): ExAC below 0.00001; gnomAD exomes 0.00001 and 0.00004; gnomAD 0.00013.

Submissions (7):

Women's Health and Genetics/Laboratory Corporation of America, LabCorp
Classification: Likely benign. Last evaluated: 2026-06-26. Review status: criteria provided, single submitter. Criteria: LabCorp Variant Classification Summary - May 2015. Collection method: clinical testing. Allele origin: germline.

Labcorp Genetics (formerly Invitae), Labcorp
Classification: Likely benign for HYPERHOMOCYSTEINEMIA, THROMBOTIC, CBS-RELATED. Last evaluated: 2026-01-18. Review status: criteria provided, single submitter. Criteria: Invitae Variant Classification Sherloc (09022015). Collection method: clinical testing. Allele origin: germline.

Blueprint Genetics
Classification: Likely benign. Last evaluated: 2024-10-02. Review status: criteria provided, single submitter. Criteria: ACMG Guidelines, 2015. Collection method: clinical testing. Allele origin: germline.

PreventionGenetics, part of Exact Sciences
Classification: Likely benign for CBS-related condition. Last evaluated: 2023-03-22. Review status: criteria provided, single submitter. Criteria: ACMG Guidelines, 2015. Collection method: clinical testing. Allele origin: germline.
Comment: This variant is classified as likely benign based on ACMG/AMP sequence variant interpretation guidelines (Richards et al. 2015 PMID: 25741868, with internal and published modifications).

Genome Diagnostics Laboratory, The Hospital for Sick Children
Classification: Uncertain significance for Connective tissue disorder. Last evaluated: 2021-08-06. Review status: criteria provided, single submitter. Criteria: ACMG Guidelines, 2015. Collection method: clinical testing. Allele origin: germline.

Ambry Genetics
Classification: Likely benign for Familial thoracic aortic aneurysm and aortic dissection. Last evaluated: 2017-04-26. Review status: criteria provided, single submitter. Criteria: Ambry Variant Classification Scheme 2023. Collection method: clinical testing. Allele origin: germline.

GeneDx
Classification: Benign. Last evaluated: 2015-04-14. Review status: criteria provided, single submitter. Criteria: GeneDx Variant Classification (06012015). Collection method: clinical testing. Allele origin: germline. Affected: yes.
Comment: This variant is considered likely benign or benign based on one or more of the following criteria: it is a conservative change, it occurs at a poorly conserved position in the protein, it is predicted to be benign by multiple in silico algorithms, and/or has population frequency not consistent with disease.

NM_000071.3(CBS):c.1539C>T (p.His513=)

Gene: CBS (cystathionine beta-synthase; minus strand). Cytogenetic location: 21q22.3.
Variant type: single nucleotide variant.
Coding change: c.1539C>T on transcript NM_000071.3 (MANE Select); coding-DNA position 1539, C replaced by T.
Protein change: p.His513=; no amino-acid change (histidine 513 retained).
Molecular consequence: synonymous variant.
Genome position (GRCh38, 1-based): chr21:43,056,816, G>A on the plus strand (C>T on the coding strand, the complement: CBS is on the minus strand). VCF-style: chr21-43056816-G-A. GRCh37 (hg19) VCF-style: chr21-44476926-G-A.
Other names: p.H513H:CAC>CAT; c.1539C>T, p.His513= (NM_001178008.3, NM_001178009.3, NM_001320298.2); c.1224C>T, p.His408= (NM_001321072.1).
Identifiers: ClinVar variation 212835 (VCV000212835.21), dbSNP rs187828882, ClinGen allele CA323194.